The following is an entry in ClinVar:

ClinVar aggregate classification (germline): Uncertain significance (1 of 4 stars; one submission).

Conditions:
Catecholaminergic polymorphic ventricular tachycardia 1. Also called: RYR2-Related Catecholaminergic Polymorphic Ventricular Tachycardia; VENTRICULAR TACHYCARDIA, CATECHOLAMINERGIC POLYMORPHIC, 1, WITH OR WITHOUT ATRIAL DYSFUNCTION AND/OR DILATED CARDIOMYOPATHY; VENTRICULAR TACHYCARDIA, STRESS-INDUCED POLYMORPHIC 1. Identifiers: Orphanet 3286, MedGen C1631597, MONDO:0011484, OMIM 604772.

gnomAD v4.1: 1 of 1,613,546 alleles (0.000062%); no homozygotes.

Submission:

Labcorp Genetics (formerly Invitae), Labcorp
Classification: Uncertain significance for Catecholaminergic polymorphic ventricular tachycardia 1. Last evaluated: 2022-06-24. Review status: criteria provided, single submitter. Criteria: Invitae Variant Classification Sherloc (09022015). Collection method: clinical testing. Allele origin: germline.
Comment: In summary, the available evidence is currently insufficient to determine the role of this variant in disease. Therefore, it has been classified as a Variant of Uncertain Significance. Advanced modeling of protein sequence and biophysical properties (such as structural, functional, and spatial information, amino acid conservation, physicochemical variation, residue mobility, and thermodynamic stability) performed at Invitae indicates that this missense variant is not expected to disrupt RYR2 protein function. This variant is not present in population databases (gnomAD no frequency). This sequence change replaces alanine, which is neutral and non-polar, with serine, which is neutral and polar, at codon 1403 of the RYR2 protein (p.Ala1403Ser). This variant has not been reported in the literature in individuals affected with RYR2-related conditions.

NM_001035.3(RYR2):c.4207G>T (p.Ala1403Ser)

Gene: RYR2 (ryanodine receptor 2; plus strand). Cytogenetic location: 1q43.
Variant type: single nucleotide variant.
Coding change: c.4207G>T on transcript NM_001035.3 (MANE Select); coding-DNA position 4207, G replaced by T.
Protein change: p.Ala1403Ser; replaces alanine 1403 with serine.
Molecular consequence: missense variant.
Genome position (GRCh38, 1-based): chr1:237,591,785, G>T. VCF-style: chr1-237591785-G-T. GRCh37 (hg19) VCF-style: chr1-237755085-G-T.
Other names: short protein forms A1403S.
Identifiers: ClinVar variation 2010384 (VCV002010384.4), dbSNP rs1675229503, ClinGen allele CA345398571.